The following is an entry in ClinVar:

NM_001130004.2(ACTN1):c.143C>T (p.Ala48Val)

Gene: ACTN1 (actinin alpha 1; minus strand). Cytogenetic location: 14q24.1.
Variant type: single nucleotide variant.
Coding change: c.143C>T on transcript NM_001130004.2 (MANE Select); coding-DNA position 143, C replaced by T.
Protein change: p.Ala48Val; replaces alanine 48 with valine.
Molecular consequence: missense variant. On other transcripts: 5 prime UTR variant (4).
Genome position (GRCh38, 1-based): chr14:68,925,635, G>A on the plus strand (C>T on the coding strand, the complement: ACTN1 is on the minus strand). VCF-style: chr14-68925635-G-A. GRCh37 (hg19) VCF-style: chr14-69392352-G-A.
Other names: c.143C>T, p.Ala48Val (NM_001424027.1, NM_001424029.1, NM_001102.4 and 10 more transcripts); c.-53C>T (NM_001424028.1, NM_001411036.1, NM_001424026.1); c.-768C>T (NM_001424030.1); c.230C>T, p.Ala77Val (NM_001424015.1); c.140C>T, p.Ala47Val (NM_001424017.1); c.80C>T, p.Ala27Val (NM_001424018.1, NM_001424020.1, NM_001424022.1); c.74C>T, p.Ala25Val (NM_001424021.1); short protein forms A27V, A47V, A48V, A25V, A77V.
Identifiers: ClinVar variation 3712532 (VCV003712532.3).

ClinVar aggregate classification (germline): Uncertain significance. Review status: criteria provided, multiple submitters, no conflicts (2 of 4 stars). 2 submissions from 2 submitters: Uncertain significance (2). Last evaluated 2025-12-02.

Conditions:
Inborn genetic diseases. Identifiers: MedGen C0950123, MeSH D030342.

gnomAD v4.1: 31 of 1,613,042 alleles (0.0019%); highest among the groups gnomAD compares: South Asian, 0.016%; no homozygotes.

Submissions (2):

Ambry Genetics
Classification: Uncertain significance for Inborn genetic diseases. Last evaluated: 2025-12-02. Review status: criteria provided, single submitter. Criteria: Ambry Variant Classification Scheme 2023. Collection method: clinical testing. Allele origin: germline.

Labcorp Genetics (formerly Invitae), Labcorp
Classification: Uncertain significance. Last evaluated: 2024-12-04. Review status: criteria provided, single submitter. Criteria: Invitae Variant Classification Sherloc (09022015). Collection method: clinical testing. Allele origin: germline.
Comment: This sequence change replaces alanine, which is neutral and non-polar, with valine, which is neutral and non-polar, at codon 48 of the ACTN1 protein (p.Ala48Val). This variant is present in population databases (rs368583570, gnomAD 0.006%). This variant has not been reported in the literature in individuals affected with ACTN1-related conditions. Invitae Evidence Modeling of protein sequence and biophysical properties (such as structural, functional, and spatial information, amino acid conservation, physicochemical variation, residue mobility, and thermodynamic stability) indicates that this missense variant is not expected to disrupt ACTN1 protein function with a negative predictive value of 80%. In summary, the available evidence is currently insufficient to determine the role of this variant in disease. Therefore, it has been classified as a Variant of Uncertain Significance.